The following is an entry in ClinVar:

ClinVar aggregate classification (germline): Uncertain significance. Review status: criteria provided, multiple submitters, no conflicts (2 of 4 stars). 2 submissions from 2 submitters: Uncertain significance (2). Last evaluated 2025-10-24.

Conditions:
Hereditary cancer-predisposing syndrome. Also called: Tumor predisposition; Hereditary Cancer Syndrome; Neoplastic Syndromes, Hereditary; Hereditary neoplastic syndrome. Identifiers: Orphanet 140162, MedGen C0027672, MeSH D009386, MONDO:0015356.

Allele frequency attached by ClinVar (database versions not stated): TOPMed 0.00001.

Submissions (2):

Labcorp Genetics (formerly Invitae), Labcorp
Classification: Uncertain significance. Last evaluated: 2025-10-24. Review status: criteria provided, single submitter. Criteria: Invitae Variant Classification Sherloc (09022015). Collection method: clinical testing. Allele origin: germline.
Comment: This sequence change replaces tyrosine, which is neutral and polar, with histidine, which is basic and polar, at codon 1021 of the MSH3 protein (p.Tyr1021His). This variant is not present in population databases (gnomAD no frequency). This variant has not been reported in the literature in individuals affected with MSH3-related conditions. ClinVar contains an entry for this variant (Variation ID: 822769). An algorithm developed to predict the effect of missense changes on protein structure and function (PolyPhen-2) suggests that this variant is likely to be disruptive. In summary, the available evidence is currently insufficient to determine the role of this variant in disease. Therefore, it has been classified as a Variant of Uncertain Significance.

Ambry Genetics
Classification: Uncertain significance for Hereditary cancer-predisposing syndrome. Last evaluated: 2025-05-23. Review status: criteria provided, single submitter. Criteria: Ambry Variant Classification Scheme 2023. Collection method: clinical testing. Allele origin: germline.
Comment: The p.Y1021H variant (also known as c.3061T>C), located in coding exon 22 of the MSH3 gene, results from a T to C substitution at nucleotide position 3061. The tyrosine at codon 1021 is replaced by histidine, an amino acid with similar properties. This amino acid position is highly conserved in available vertebrate species. In addition, the in silico prediction for this alteration is inconclusive. Since supporting evidence is limited at this time, the clinical significance of this alteration remains unclear.

NM_002439.5(MSH3):c.3061T>C (p.Tyr1021His)

Gene: MSH3 (mutS homolog 3; plus strand). Cytogenetic location: 5q14.1.
Variant type: single nucleotide variant.
Coding change: c.3061T>C on transcript NM_002439.5 (MANE Select); coding-DNA position 3061, T replaced by C.
Protein change: p.Tyr1021His; replaces tyrosine 1021 with histidine.
Molecular consequence: missense variant.
Genome position (GRCh38, 1-based): chr5:80,864,873, T>C. VCF-style: chr5-80864873-T-C. GRCh37 (hg19) VCF-style: chr5-80160692-T-C.
Other names: short protein forms Y1021H.
Identifiers: ClinVar variation 822769 (VCV000822769.8), dbSNP rs1580098615, ClinGen allele CA360346267.